The following is an entry in ClinVar:

ClinVar aggregate classification (germline): Uncertain significance (1 of 4 stars; one submission).

Allele frequency attached by ClinVar (database versions not stated): gnomAD exomes 0.00002 and 0.00003; gnomAD 0.00003; TOPMed 0.00003.

Submission:

GeneDx
Classification: Uncertain significance. Last evaluated: 2022-02-17. Review status: criteria provided, single submitter. Criteria: GeneDx Variant Classification Process June 2021. Collection method: clinical testing. Allele origin: germline. Affected: yes.
Comment: Not observed at significant frequency in large population cohorts (gnomAD); Has not been previously published as pathogenic or benign to our knowledge; In silico analysis, which includes splice predictors and evolutionary conservation, suggests this variant may impact gene splicing. In the absence of RNA/functional studies, the actual effect of this sequence change is unknown.

NM_005886.3(KATNB1):c.1314G>T (p.Arg438=)

Gene: KATNB1 (katanin regulatory subunit B1; plus strand). Cytogenetic location: 16q21.
Variant type: single nucleotide variant.
Coding change: c.1314G>T on transcript NM_005886.3 (MANE Select); coding-DNA position 1314, G replaced by T.
Protein change: p.Arg438=; no amino-acid change (arginine 438 retained).
Molecular consequence: synonymous variant.
Genome position (GRCh38, 1-based): chr16:57,755,136, G>T. VCF-style: chr16-57755136-G-T. GRCh37 (hg19) VCF-style: chr16-57789048-G-T.
Identifiers: ClinVar variation 1702549 (VCV001702549.2), dbSNP rs1156981237, ClinGen allele CA495792504.